The following is an entry in ClinVar:

ClinVar aggregate classification (germline): Uncertain significance (1 of 4 stars; one submission).

Conditions:
Hereditary cancer-predisposing syndrome. Also called: Hereditary neoplastic syndrome; Neoplastic Syndromes, Hereditary; Tumor predisposition; Hereditary Cancer Syndrome. Identifiers: Orphanet 140162, MedGen C0027672, MeSH D009386, MONDO:0015356.

Submission:

Ambry Genetics
Classification: Uncertain significance for Hereditary cancer-predisposing syndrome. Last evaluated: 2025-07-09. Review status: criteria provided, single submitter. Criteria: Ambry Variant Classification Scheme 2023. Collection method: clinical testing. Allele origin: germline.
Comment: The p.K983E variant (also known as c.2947A>G), located in coding exon 25 of the POLE gene, results from an A to G substitution at nucleotide position 2947. The lysine at codon 983 is replaced by glutamic acid, an amino acid with similar properties. This amino acid position is conserved. In addition, this alteration is predicted to be deleterious by in silico analysis. Based on the available evidence, the clinical significance of this variant remains unclear.

NM_006231.4(POLE):c.2947A>G (p.Lys983Glu)

Gene: POLE (DNA polymerase epsilon, catalytic subunit; minus strand). Cytogenetic location: 12q24.33.
Variant type: single nucleotide variant.
Coding change: c.2947A>G on transcript NM_006231.4 (MANE Select); coding-DNA position 2947, A replaced by G.
Protein change: p.Lys983Glu; replaces lysine 983 with glutamic acid.
Molecular consequence: missense variant.
Genome position (GRCh38, 1-based): chr12:132,661,082, T>C on the plus strand (A>G on the coding strand, the complement: POLE is on the minus strand). VCF-style: chr12-132661082-T-C. GRCh37 (hg19) VCF-style: chr12-133237668-T-C.
Other names: short protein forms K983E.
Identifiers: ClinVar variation 4141155 (VCV004141155.1).